The following is an entry in ClinVar:

ClinVar aggregate classification (germline): Uncertain significance. Review status: criteria provided, multiple submitters, no conflicts (2 of 4 stars). 2 submissions from 2 submitters: Uncertain significance (2). Last evaluated 2025-06-19.

Conditions:
Inborn genetic diseases. Identifiers: MedGen C0950123, MeSH D030342.

Allele frequency attached by ClinVar (database versions not stated): gnomAD 0.00010; ESP Exome Variant Server 0.00031.
gnomAD v4.1: 35 of 1,614,026 alleles (0.0022%); highest among the groups gnomAD compares: African/African-American, 0.039%; no homozygotes.

Submissions (2):

Ambry Genetics
Classification: Uncertain significance for Inborn genetic diseases. Last evaluated: 2025-06-19. Review status: criteria provided, single submitter. Criteria: Ambry Variant Classification Scheme 2023. Collection method: clinical testing. Allele origin: germline.

Labcorp Genetics (formerly Invitae), Labcorp
Classification: Uncertain significance. Last evaluated: 2022-06-14. Review status: criteria provided, single submitter. Criteria: Invitae Variant Classification Sherloc (09022015). Collection method: clinical testing. Allele origin: germline.
Comment: This sequence change replaces glutamic acid, which is acidic and polar, with aspartic acid, which is acidic and polar, at codon 604 of the PTPN23 protein (p.Glu604Asp). This variant is present in population databases (rs146560915, gnomAD 0.02%). This variant has not been reported in the literature in individuals affected with PTPN23-related conditions. Algorithms developed to predict the effect of missense changes on protein structure and function are either unavailable or do not agree on the potential impact of this missense change (SIFT: "Tolerated"; PolyPhen-2: "Not Available"; Align-GVGD: "Class C0"). In summary, the available evidence is currently insufficient to determine the role of this variant in disease. Therefore, it has been classified as a Variant of Uncertain Significance.

NM_015466.4(PTPN23):c.1812G>T (p.Glu604Asp)

Gene: PTPN23 (protein tyrosine phosphatase non-receptor type 23; plus strand). Cytogenetic location: 3p21.31.
Variant type: single nucleotide variant.
Coding change: c.1812G>T on transcript NM_015466.4 (MANE Select); coding-DNA position 1812, G replaced by T.
Protein change: p.Glu604Asp; replaces glutamic acid 604 with aspartic acid.
Molecular consequence: missense variant.
Genome position (GRCh38, 1-based): chr3:47,409,431, G>T. VCF-style: chr3-47409431-G-T. GRCh37 (hg19) VCF-style: chr3-47450921-G-T.
Other names: c.1434G>T, p.Glu478Asp (NM_001304482.2); c.1812G>T (NM_015466.2); short protein forms E478D, E604D.
Identifiers: ClinVar variation 1435445 (VCV001435445.6), dbSNP rs146560915, ClinGen allele CA2365834.